The following is an entry in ClinVar:

NM_033109.5(PNPT1):c.1771A>C (p.Lys591Gln)

Gene: PNPT1 (polyribonucleotide nucleotidyltransferase 1; minus strand). Cytogenetic location: 2p16.1.
Variant type: single nucleotide variant.
Coding change: c.1771A>C on transcript NM_033109.5 (MANE Select); coding-DNA position 1771, A replaced by C.
Protein change: p.Lys591Gln; replaces lysine 591 with glutamine.
Molecular consequence: missense variant.
Genome position (GRCh38, 1-based): chr2:55,645,400, T>G on the plus strand (A>C on the coding strand, the complement: PNPT1 is on the minus strand). VCF-style: chr2-55645400-T-G. GRCh37 (hg19) VCF-style: chr2-55872535-T-G.
Other names: c.1771A>C (NM_033109.3); short protein forms K591Q.
Identifiers: ClinVar variation 444496 (VCV000444496.55), dbSNP rs542676905, ClinGen allele CA1667945.

ClinVar aggregate classification (germline): Conflicting classifications of pathogenicity. Review status: criteria provided, conflicting classifications (1 of 4 stars). 5 submissions from 5 submitters: Uncertain significance (4); Likely benign (1). Last evaluated 2026-06-16.

Conditions:
PNPT1-related disorder. Also called: PNPT1-related condition; PNPT1-related disorders.
Inborn genetic diseases. Identifiers: MedGen C0950123, MeSH D030342.

Allele frequency attached by ClinVar (database versions not stated): TOPMed 0.00006; gnomAD 0.00007 and 0.00008; gnomAD exomes 0.00010 and 0.00011; ExAC 0.00013; 1000 Genomes Project 30x 0.00016; 1000 Genomes Project 0.00020.
gnomAD v4.1: 159 of 1,612,482 alleles (0.0099%); highest among the groups gnomAD compares: Middle Eastern, 0.18%; no homozygotes.

Submissions (5):

PreventionGenetics, part of Exact Sciences
Classification: Uncertain significance for PNPT1-related condition. Last evaluated: 2026-06-16. Review status: criteria provided, single submitter. Criteria: ACMG Guidelines, 2015. Collection method: clinical testing. Allele origin: germline.
Comment: The PNPT1 c.1771A>C variant is predicted to result in the amino acid substitution p.Lys591Gln. To our knowledge, this variant has not been reported in the literature. This variant is reported in 0.036% of alleles in individuals of South Asian descent in gnomAD. At this time, the clinical significance of this variant is uncertain due to the absence of conclusive functional and genetic evidence.

Labcorp Genetics (formerly Invitae), Labcorp
Classification: Likely benign. Last evaluated: 2026-01-26. Review status: criteria provided, single submitter. Criteria: Invitae Variant Classification Sherloc (09022015). Collection method: clinical testing. Allele origin: germline.

GeneDx
Classification: Uncertain significance. Last evaluated: 2025-07-02. Review status: criteria provided, single submitter. Criteria: GeneDx Variant Classification Process June 2021. Collection method: clinical testing. Allele origin: germline. Affected: yes.
Comment: In silico analysis suggests that this missense variant does not alter protein structure/function; Has not been previously published as pathogenic or benign to our knowledge

Ambry Genetics
Classification: Uncertain significance for Inborn genetic diseases. Last evaluated: 2021-10-06. Review status: criteria provided, single submitter. Criteria: Ambry Variant Classification Scheme 2023. Collection method: clinical testing. Allele origin: germline.

CeGaT Center for Human Genetics Tuebingen
Classification: Uncertain significance. Last evaluated: 2017-05-01. Review status: criteria provided, single submitter. Criteria: CeGaT Center For Human Genetics Tuebingen Variant Classification Criteria Version 2. Collection method: clinical testing. Allele origin: germline. Affected: yes. Observed: 1 variant allele.